The following is an entry in ClinVar:

ClinVar aggregate classification (germline): Likely pathogenic (1 of 4 stars; one submission).

Conditions:
Primary ciliary dyskinesia. Also called: Ciliary dyskinesia. Identifiers: Orphanet 244, MedGen C0008780, MONDO:0016575, HP:0012265.

Submission:

Natera, Inc.
Classification: Likely pathogenic for Primary ciliary dyskinesia. Last evaluated: 2025-09-17. Review status: criteria provided, single submitter. Criteria: Natera Variant Classification Schema (03/2026). Collection method: clinical testing. Allele origin: germline.
Comment: The c.5115-2A>T variant in DNAH5 is a canonical splice acceptor site variant predicted to affect pre-mRNA splicing, which may result in an abnormal transcript and altered protein product. This variant is expected to result in nonsense mediated decay, truncation, or a dysfunctional protein product. This variant is rare in the general population with a frequency below the threshold expected for the associated phenotype(s). Given the available evidence, this variant is classified as Likely Pathogenic.

NM_001369.3(DNAH5):c.5115-2A>T

Gene: DNAH5 (dynein axonemal heavy chain 5; minus strand). Cytogenetic location: 5p15.2.
Variant type: single nucleotide variant.
Coding change: c.5115-2A>T on transcript NM_001369.3 (MANE Select); the canonical splice acceptor site of the intron before coding-DNA position 5115, A replaced by T.
Molecular consequence: splice acceptor variant.
Genome position (GRCh38, 1-based): chr5:13,844,995, T>A on the plus strand (A>T on the coding strand, the complement: DNAH5 is on the minus strand). VCF-style: chr5-13844995-T-A. GRCh37 (hg19) VCF-style: chr5-13845104-T-A.
Identifiers: ClinVar variation 4814896 (VCV004814896.1).